The following is an entry in ClinVar:

ClinVar aggregate classification (germline): Uncertain significance. Review status: criteria provided, multiple submitters, no conflicts (2 of 4 stars). 3 submissions from 3 submitters: Uncertain significance (3). Last evaluated 2026-01-05.

Conditions:
Inborn genetic diseases. Identifiers: MedGen C0950123, MeSH D030342.
Hermansky-Pudlak syndrome 1 (HPS1). Also called: DELTA STORAGE POOL DISEASE. Identifiers: Orphanet 231500, Orphanet 79430, MedGen C2931875, MONDO:0008748, OMIM 203300.

Allele frequency attached by ClinVar (database versions not stated): gnomAD 0.00001; ExAC 0.00002; TOPMed 0.00003.
gnomAD v4.1: 28 of 1,614,066 alleles (0.0017%); highest among the groups gnomAD compares: Admixed American, 0.033%; 1 homozygote.

Submissions (3):

Labcorp Genetics (formerly Invitae), Labcorp
Classification: Uncertain significance. Last evaluated: 2026-01-05. Review status: criteria provided, single submitter. Criteria: Invitae Variant Classification Sherloc (09022015). Collection method: clinical testing. Allele origin: germline.
Comment: This sequence change replaces leucine, which is neutral and non-polar, with proline, which is neutral and non-polar, at codon 85 of the HPS1 protein (p.Leu85Pro). This variant is present in population databases (rs752276871, gnomAD 0.03%). This variant has not been reported in the literature in individuals affected with HPS1-related conditions. ClinVar contains an entry for this variant (Variation ID: 2083012). Invitae Evidence Modeling of protein sequence and biophysical properties (such as structural, functional, and spatial information, amino acid conservation, physicochemical variation, residue mobility, and thermodynamic stability) indicates that this missense variant is not expected to disrupt HPS1 protein function with a negative predictive value of 95%. In summary, the available evidence is currently insufficient to determine the role of this variant in disease. Therefore, it has been classified as a Variant of Uncertain Significance.

Ambry Genetics
Classification: Uncertain significance for Inborn genetic diseases. Last evaluated: 2025-06-09. Review status: criteria provided, single submitter. Criteria: Ambry Variant Classification Scheme 2023. Collection method: clinical testing. Allele origin: germline.

Fulgent Genetics
Classification: Uncertain significance for Hermansky-Pudlak syndrome 1. Last evaluated: 2024-01-25. Review status: criteria provided, single submitter. Criteria: ACMG Guidelines, 2015. Collection method: clinical testing. Allele origin: germline.

NM_000195.5(HPS1):c.254T>C (p.Leu85Pro)

Gene: HPS1 (HPS1 biogenesis of lysosomal organelles complex 3 subunit 1; minus strand). Cytogenetic location: 10q24.2.
Variant type: single nucleotide variant.
Coding change: c.254T>C on transcript NM_000195.5 (MANE Select); coding-DNA position 254, T replaced by C.
Protein change: p.Leu85Pro; replaces leucine 85 with proline.
Molecular consequence: missense variant. On other transcripts: 5 prime UTR variant (3).
Genome position (GRCh38, 1-based): chr10:98,435,636, A>G on the plus strand (T>C on the coding strand, the complement: HPS1 is on the minus strand). VCF-style: chr10-98435636-A-G. GRCh37 (hg19) VCF-style: chr10-100195393-A-G.
Other names: c.28T>C, p.Trp10Arg (NM_001322484.2, NM_001322485.2, NM_001322483.2); c.-762T>C (NM_001322487.2); c.-520T>C (NM_001322489.2); c.254T>C, p.Leu85Pro (NM_001322490.2, NM_001322491.2, NM_001322479.2 and 8 more transcripts); c.-663T>C (NM_001311345.2); short protein forms L85P, W10R.
Identifiers: ClinVar variation 2083012 (VCV002083012.5), dbSNP rs752276871, ClinGen allele CA5639467.